The following is an entry in ClinVar:

ClinVar aggregate classification (germline): Likely pathogenic (1 of 4 stars; one submission).

Allele frequency attached by ClinVar (database versions not stated): gnomAD exomes below 0.00001.
gnomAD v4.1: 2 of 1,613,886 alleles (0.00012%); highest among the groups gnomAD compares: Non-Finnish European, 0.000085%; no homozygotes.

Submission:

Labcorp Genetics (formerly Invitae), Labcorp
Classification: Likely pathogenic. Last evaluated: 2023-11-15. Review status: criteria provided, single submitter. Criteria: Invitae Variant Classification Sherloc (09022015). Collection method: clinical testing. Allele origin: germline.
Comment: This sequence change affects a donor splice site in intron 35 of the CAD gene. It is expected to disrupt RNA splicing. Variants that disrupt the donor or acceptor splice site typically lead to a loss of protein function (PMID: 16199547), and loss-of-function variants in CAD are known to be pathogenic (PMID: 28007989, 32117025, 32820246, 33497533). This variant is not present in population databases (gnomAD no frequency). This variant has not been reported in the literature in individuals affected with CAD-related conditions. Algorithms developed to predict the effect of sequence changes on RNA splicing suggest that this variant may disrupt the consensus splice site. In summary, the currently available evidence indicates that the variant is pathogenic, but additional data are needed to prove that conclusively. Therefore, this variant has been classified as Likely Pathogenic.

Literature cited by the submitters: PubMed 16199547; PubMed 28007989; PubMed 32117025; PubMed 32820246; PubMed 33497533.

NM_004341.5(CAD):c.5593+1G>A

Gene: CAD (carbamoyl-phosphate synthetase 2, aspartate transcarbamylase, and dihydroorotase; plus strand). Cytogenetic location: 2p23.3.
Variant type: single nucleotide variant.
Coding change: c.5593+1G>A on transcript NM_004341.5 (MANE Select); the canonical splice donor site of the intron after coding-DNA position 5593, G replaced by A.
Molecular consequence: splice donor variant.
Genome position (GRCh38, 1-based): chr2:27,240,362, G>A. VCF-style: chr2-27240362-G-A. GRCh37 (hg19) VCF-style: chr2-27463230-G-A.
Other names: c.5404+1G>A (NM_001306079.2).
Identifiers: ClinVar variation 2802137 (VCV002802137.3), dbSNP rs2465358553, ClinGen allele CA346223173.